The following is an entry in ClinVar:

NM_001270508.2(TNFAIP3):c.981del (p.Ala328fs)

Gene: TNFAIP3 (TNF alpha induced protein 3; plus strand). Cytogenetic location: 6q23.3.
Variant type: Deletion.
Coding change: c.981del on transcript NM_001270508.2 (MANE Select); coding-DNA position 981, one base deleted (C; older notation c.981delC).
Protein change: p.Ala328fs; shifts the reading frame from alanine 328.
Molecular consequence: frameshift variant.
Genome position (GRCh38, 1-based): chr6:137,877,251, C deleted; the last of 2 consecutive C bases (chr6:137,877,250-137,877,251); deleting either gives the same sequence. VCF-style (leftmost placement, unchanged base first): chr6-137877249-GC-G. GRCh37 (hg19) VCF-style: chr6-138198386-GC-G.
Other names: c.981del, p.Ala328fs (NM_001270507.2, NM_006290.4); short protein forms A328fs.
Identifiers: ClinVar variation 3662027 (VCV003662027.2).

ClinVar aggregate classification (germline): Pathogenic (1 of 4 stars; one submission).

Submission:

Labcorp Genetics (formerly Invitae), Labcorp
Classification: Pathogenic. Last evaluated: 2024-08-11. Review status: criteria provided, single submitter. Criteria: Invitae Variant Classification Sherloc (09022015). Collection method: clinical testing. Allele origin: germline.
Comment: This sequence change creates a premature translational stop signal (p.Ala328Glnfs*15) in the TNFAIP3 gene. It is expected to result in an absent or disrupted protein product. Loss-of-function variants in TNFAIP3 are known to be pathogenic (PMID: 26642243). This variant is not present in population databases (gnomAD no frequency). This variant has not been reported in the literature in individuals affected with TNFAIP3-related conditions. For these reasons, this variant has been classified as Pathogenic.

Literature cited by the submitters: PubMed 26642243.